The following is an entry in ClinVar:

NM_001127644.2(GABRA1):c.476+6G>A

Gene: GABRA1 (gamma-aminobutyric acid type A receptor subunit alpha1; plus strand). Cytogenetic location: 5q34.
Variant type: single nucleotide variant.
Coding change: c.476+6G>A on transcript NM_001127644.2 (MANE Select); 6 bases into the intron after coding-DNA position 476, G replaced by A.
Molecular consequence: intron variant.
Genome position (GRCh38, 1-based): chr5:161,873,343, G>A. VCF-style: chr5-161873343-G-A. GRCh37 (hg19) VCF-style: chr5-161300349-G-A.
Other names: c.476+6G>A (NM_000806.5, NM_001127643.2, NM_001127645.2 and 1 more transcripts).
Identifiers: ClinVar variation 1443272 (VCV001443272.6), dbSNP rs764873956, ClinGen allele CA3544410.
Genomic context (GRCh38, chr5:161,873,343, plus strand): 5'-TGCCCAACAAACTCCTGCGGATCACAGAGGATGGCACCTTGCTGTACACCATGAGGTAAG[G>A]ATGGCTGCACTGCCATTCATGAATGTTTCTGTACTTCATTCCCTTCCACTTGTAGGCAAT-3'

ClinVar aggregate classification (germline): Uncertain significance (1 of 4 stars; one submission).

Conditions:
Idiopathic generalized epilepsy. Also called: EIG; Generalised epilepsy. Identifiers: MedGen C0270850, MONDO:0005579, OMIM 600669.
Epilepsy, idiopathic generalized, susceptibility to, 13. Also called: EPILEPSY, JUVENILE MYOCLONIC, SUSCEPTIBILITY TO, 5. Identifiers: Orphanet 307, Orphanet 64280, MedGen C4013473, MONDO:0012627, OMIM 611136.
Epilepsy, childhood absence 4 (ECA4). Also called: EPILEPSY, CHILDHOOD ABSENCE, SUSCEPTIBILITY TO, 4. Identifiers: Orphanet 307, MedGen C1970160.

Allele frequency attached by ClinVar (database versions not stated): gnomAD exomes below 0.00001 and 0.00001; ExAC 0.00001; gnomAD 0.00001.
gnomAD v4.1: 6 of 1,605,620 alleles (0.00037%); highest among the groups gnomAD compares: South Asian, 0.0055%; no homozygotes.

Submission:

Labcorp Genetics (formerly Invitae), Labcorp
Classification: Uncertain significance for Epilepsy, childhood absence 4; Epilepsy, idiopathic generalized, susceptibility to, 13; Idiopathic generalized epilepsy. Last evaluated: 2021-02-18. Review status: criteria provided, single submitter. Criteria: Invitae Variant Classification Sherloc (09022015). Collection method: clinical testing. Allele origin: germline.
Comment: This variant is present in population databases (rs764873956, ExAC 0.006%). In summary, the available evidence is currently insufficient to determine the role of this variant in disease. Therefore, it has been classified as a Variant of Uncertain Significance. Nucleotide substitutions within the consensus splice site are a relatively common cause of aberrant splicing (PMID: 17576681, 9536098). Algorithms developed to predict the effect of sequence changes on RNA splicing suggest that this variant is not likely to affect RNA splicing, but this prediction has not been confirmed by published transcriptional studies. This variant has not been reported in the literature in individuals with GABRA1-related conditions. This sequence change falls in intron 6 of the GABRA1 gene. It does not directly change the encoded amino acid sequence of the GABRA1 protein. It affects a nucleotide within the consensus splice site of the intron.

Literature cited by the submitters: PubMed 17576681; PubMed 9536098.